The following is an entry in ClinVar:

NM_014028.4(OSTM1):c.221C>G (p.Pro74Arg)

Gene: OSTM1 (osteoclastogenesis associated transmembrane protein 1; minus strand). Cytogenetic location: 6q21.
Variant type: single nucleotide variant.
Coding change: c.221C>G on transcript NM_014028.4 (MANE Select); coding-DNA position 221, C replaced by G.
Protein change: p.Pro74Arg; replaces proline 74 with arginine.
Molecular consequence: missense variant.
Genome position (GRCh38, 1-based): chr6:108,074,431, G>C on the plus strand (C>G on the coding strand, the complement: OSTM1 is on the minus strand). VCF-style: chr6-108074431-G-C. GRCh37 (hg19) VCF-style: chr6-108395635-G-C.
Other names: short protein forms P74R.
Identifiers: ClinVar variation 193368 (VCV000193368.21), dbSNP rs141735624, ClinGen allele CA200527.

ClinVar aggregate classification (germline): Benign. Review status: criteria provided, multiple submitters, no conflicts (2 of 4 stars). 4 submissions from 4 submitters: Benign (4). Last evaluated 2026-02-01.

Conditions:
Autosomal recessive osteopetrosis 5. Identifiers: Orphanet 85179, MedGen C1968603, MONDO:0009817, OMIM 259720.

Allele frequency attached by ClinVar (database versions not stated): gnomAD exomes 0.00361; ExAC 0.00881; 1000 Genomes Project 0.01518; 1000 Genomes Project 30x 0.01624; gnomAD 0.01675 and 0.01817; ESP Exome Variant Server 0.01683; TOPMed 0.01934.
gnomAD v4.1: 4,878 of 1,560,524 alleles (0.31%); highest among the groups gnomAD compares: African/African-American, 6%; 128 homozygotes.

Submissions (4):

Labcorp Genetics (formerly Invitae), Labcorp
Classification: Benign. Last evaluated: 2026-02-01. Review status: criteria provided, single submitter. Criteria: Invitae Variant Classification Sherloc (09022015). Collection method: clinical testing. Allele origin: germline.

GeneDx
Classification: Benign. Last evaluated: 2021-06-10. Review status: criteria provided, single submitter. Criteria: GeneDx Variant Classification Process June 2021. Collection method: clinical testing. Allele origin: germline. Affected: yes.

Illumina Laboratory Services, Illumina
Classification: Benign for Autosomal recessive osteopetrosis 5. Last evaluated: 2018-01-13. Review status: criteria provided, single submitter. Criteria: ICSL Variant Classification Criteria 13 December 2019. Collection method: clinical testing. Allele origin: germline.
Comment: This variant was observed in the ICSL laboratory as part of a predisposition screen in an ostensibly healthy population. It had not been previously curated by ICSL or reported in the Human Gene Mutation Database (HGMD: prior to June 1st, 2018), and was therefore a candidate for classification through an automated scoring system. Utilizing variant allele frequency, disease prevalence and penetrance estimates, and inheritance mode, an automated score was calculated to assess if this variant is too frequent to cause the disease. Based on the score and internal cut-off values, a variant classified as benign is not then subjected to further curation. The score for this variant resulted in a classification of benign for this disease.

Eurofins Ntd Llc (ga)
Classification: Benign. Last evaluated: 2014-10-02. Review status: criteria provided, single submitter. Criteria: EGL Classification Definitions 2015. Collection method: clinical testing. Allele origin: germline. Observed: 1 variant allele, 1 heterozygote.